The following is an entry in ClinVar:

ClinVar aggregate classification (germline): Uncertain significance. Review status: criteria provided, multiple submitters, no conflicts (2 of 4 stars). 2 submissions from 2 submitters: Uncertain significance (2). Last evaluated 2026-08-04.

Conditions:
Ehlers-Danlos syndrome, classic type, 1 (EDSCL1). Also called: Ehlers-Danlos Syndrome, Classic Type, COL5A1-Related; Ehlers-Danlos syndrome, type 1; EDS I; EHLERS-DANLOS SYNDROME, GRAVIS TYPE; EHLERS-DANLOS SYNDROME, SEVERE CLASSIC TYPE. Identifiers: MedGen C0268335, MONDO:0019567, OMIM 130000.
Familial thoracic aortic aneurysm and aortic dissection (TAAD). Also called: Thoracic aortic aneurysms and dissections. Identifiers: Orphanet 91387, MedGen C4707243, MONDO:0019625.

Allele frequency attached by ClinVar (database versions not stated): gnomAD exomes below 0.00001; TOPMed 0.00001; ExAC 0.00001.
gnomAD v4.1: 2 of 1,506,442 alleles (0.00013%); highest among the groups gnomAD compares: African/African-American, 0.0027%; no homozygotes.

Submissions (2):

Ambry Genetics
Classification: Uncertain significance for Familial thoracic aortic aneurysm and aortic dissection. Last evaluated: 2026-08-04. Review status: criteria provided, single submitter. Criteria: Ambry Variant Classification Scheme 2023. Collection method: clinical testing. Allele origin: germline.
Comment: The c.336+3A>T intronic variant results from an A to T substitution 3 nucleotides after coding exon 3 in the COL5A2 gene. This nucleotide position is well conserved in available vertebrate species. In silico splice site analysis predicts that this alteration may weaken the native splice donor site. Based on the available evidence, the clinical significance of this variant remains unclear.

Labcorp Genetics (formerly Invitae), Labcorp
Classification: Uncertain significance for Ehlers-Danlos syndrome, classic type, 1. Last evaluated: 2021-04-10. Review status: criteria provided, single submitter. Criteria: Invitae Variant Classification Sherloc (09022015). Collection method: clinical testing. Allele origin: germline.
Comment: In summary, the available evidence is currently insufficient to determine the role of this variant in disease. Therefore, it has been classified as a Variant of Uncertain Significance. Nucleotide substitutions within the consensus splice site are a relatively common cause of aberrant splicing (PMID: 17576681, 9536098). Algorithms developed to predict the effect of sequence changes on RNA splicing suggest that this variant may disrupt the consensus splice site, but this prediction has not been confirmed by published transcriptional studies. This variant has not been reported in the literature in individuals with COL5A2-related conditions. This variant is present in population databases (rs762140704, ExAC 0.01%). This sequence change falls in intron 3 of the COL5A2 gene. It does not directly change the encoded amino acid sequence of the COL5A2 protein. It affects a nucleotide within the consensus splice site of the intron.

Literature cited by the submitters: PubMed 17576681 (cited by Labcorp Genetics (formerly Invitae), Labcorp); PubMed 9536098 (cited by Labcorp Genetics (formerly Invitae), Labcorp).

NM_000393.5(COL5A2):c.336+3A>T

Gene: COL5A2 (collagen type V alpha 2 chain; minus strand). Cytogenetic location: 2q32.2.
Variant type: single nucleotide variant.
Coding change: c.336+3A>T on transcript NM_000393.5 (MANE Select); 3 bases into the intron after coding-DNA position 336, A replaced by T.
Molecular consequence: intron variant.
Genome position (GRCh38, 1-based): chr2:189,104,261, T>A on the plus strand (A>T on the coding strand, the complement: COL5A2 is on the minus strand). VCF-style: chr2-189104261-T-A. GRCh37 (hg19) VCF-style: chr2-189968987-T-A.
Other names: c.336+3A>T (NM_000393.3).
Identifiers: ClinVar variation 1351186 (VCV001351186.7), dbSNP rs762140704, ClinGen allele CA2023144.
Genomic context (GRCh38, chr2:189,104,261, plus strand): 5'-TGTGTGGATAGTATTGGATATAAGTCTGCTTATGAAAAAGAAAATATGCAAAGTAACACT[T>A]ACCTTTCTTCCTCTACCTGTAAAAAGAAAAGAGTAAATGTGTTATTTTATGAGGAAACAA-3'